The following is an entry in ClinVar:

NM_006031.6(PCNT):c.2509A>G (p.Ser837Gly)

Gene: PCNT (pericentrin; plus strand). Cytogenetic location: 21q22.3.
Variant type: single nucleotide variant.
Coding change: c.2509A>G on transcript NM_006031.6 (MANE Select); coding-DNA position 2509, A replaced by G.
Protein change: p.Ser837Gly; replaces serine 837 with glycine.
Molecular consequence: missense variant.
Genome position (GRCh38, 1-based): chr21:46,363,834, A>G. VCF-style: chr21-46363834-A-G. GRCh37 (hg19) VCF-style: chr21-47783749-A-G.
Other names: c.2155A>G, p.Ser719Gly (NM_001315529.2); short protein forms S719G, S837G.
Identifiers: ClinVar variation 4985218 (VCV004985218.1).

ClinVar aggregate classification (germline): Uncertain significance (1 of 4 stars; one submission).

Conditions:
PCNT-related disorder. Also called: PCNT-related condition.

gnomAD v4.1: 2 of 1,612,166 alleles (0.00012%); highest among the groups gnomAD compares: Admixed American, 0.0017%; no homozygotes.

Submission:

PreventionGenetics, part of Exact Sciences
Classification: Uncertain significance for PCNT-related condition. Last evaluated: 2026-03-30. Review status: criteria provided, single submitter. Criteria: ACMG Guidelines, 2015. Collection method: clinical testing. Allele origin: germline.
Comment: The PCNT c.2509A>G variant is predicted to result in the amino acid substitution p.Ser837Gly. To our knowledge, this variant has not been reported in the literature. This variant is reported in 0.00089% of alleles in individuals of European (Non-Finnish) descent in gnomAD. At this time, the clinical significance of this variant is uncertain due to the absence of conclusive functional and genetic evidence.